The following is an entry in ClinVar:

NM_016169.4(SUFU):c.1358C>T (p.Pro453Leu)

Gene: SUFU (SUFU negative regulator of hedgehog signaling; plus strand). Cytogenetic location: 10q24.32.
Variant type: single nucleotide variant.
Coding change: c.1358C>T on transcript NM_016169.4 (MANE Select); coding-DNA position 1358, C replaced by T.
Protein change: p.Pro453Leu; replaces proline 453 with leucine.
Molecular consequence: missense variant.
Genome position (GRCh38, 1-based): chr10:102,627,236, C>T. VCF-style: chr10-102627236-C-T. GRCh37 (hg19) VCF-style: chr10-104386993-C-T.
Other names: short protein forms P453L.
Identifiers: ClinVar variation 4551787 (VCV004551787.1).

ClinVar aggregate classification (germline): Uncertain significance (1 of 4 stars; one submission).

Conditions:
Hereditary cancer-predisposing syndrome. Also called: Tumor predisposition; Hereditary Cancer Syndrome; Hereditary neoplastic syndrome; Neoplastic Syndromes, Hereditary. Identifiers: Orphanet 140162, MedGen C0027672, MeSH D009386, MONDO:0015356.

Submission:

Ambry Genetics
Classification: Uncertain significance for Hereditary cancer-predisposing syndrome. Last evaluated: 2025-11-12. Review status: criteria provided, single submitter. Criteria: Ambry Variant Classification Scheme 2023. Collection method: clinical testing. Allele origin: germline.
Comment: The p.P453L variant (also known as c.1358C>T), located in coding exon 11 of the SUFU gene, results from a C to T substitution at nucleotide position 1358. The proline at codon 453 is replaced by leucine, an amino acid with similar properties. This amino acid position is conserved. In addition, this alteration is predicted to be tolerated by in silico analysis. Based on the available evidence, the clinical significance of this variant remains unclear.